The following is an entry in ClinVar:

NM_015272.5(RPGRIP1L):c.2236T>G (p.Tyr746Asp)

Gene: RPGRIP1L (RPGRIP1 like; minus strand). Cytogenetic location: 16q12.2.
Variant type: single nucleotide variant.
Coding change: c.2236T>G on transcript NM_015272.5 (MANE Select); coding-DNA position 2236, T replaced by G.
Protein change: p.Tyr746Asp; replaces tyrosine 746 with aspartic acid.
Molecular consequence: missense variant.
Genome position (GRCh38, 1-based): chr16:53,649,032, A>C on the plus strand (T>G on the coding strand, the complement: RPGRIP1L is on the minus strand). VCF-style: chr16-53649032-A-C. GRCh37 (hg19) VCF-style: chr16-53682944-A-C.
Other names: c.2236T>G, p.Tyr746Asp (NM_001127897.4, NM_001308334.3, NM_001330538.2); short protein forms Y746D.
Identifiers: ClinVar variation 4994261 (VCV004994261.1).

ClinVar aggregate classification (germline): Uncertain significance (1 of 4 stars; one submission).

Conditions:
RPGRIP1L-related disorder. Also called: RPGRIP1L-related condition; RPGRIP1L-related disorders. Identifiers: MedGen CN239416.

gnomAD v4.1: 1 of 1,613,998 alleles (0.000062%); highest among the groups gnomAD compares: Admixed American, 0.0017%; no homozygotes.

Submission:

PreventionGenetics, part of Exact Sciences
Classification: Uncertain significance for RPGRIP1L-related condition. Last evaluated: 2026-09-10. Review status: criteria provided, single submitter. Criteria: ACMG Guidelines, 2015. Collection method: clinical testing. Allele origin: germline.
Comment: The RPGRIP1L c.2236T>G variant is predicted to result in the amino acid substitution p.Tyr746Asp. To our knowledge, this variant has not been reported in the literature. This variant is reported in 0.0029% of alleles in individuals of Latino descent in gnomAD. At this time, the clinical significance of this variant is uncertain due to the absence of conclusive functional and genetic evidence.